The following is an entry in ClinVar:

ClinVar aggregate classification (germline): Uncertain significance. Review status: criteria provided, multiple submitters, no conflicts (2 of 4 stars). 3 submissions from 3 submitters: Uncertain significance (3). Last evaluated 2024-05-19.

Conditions:
Cardiovascular phenotype. Identifiers: MedGen CN230736.

Allele frequency attached by ClinVar (database versions not stated): gnomAD exomes 0.00002 and 0.00003; TOPMed 0.00003.
gnomAD v4.1: 26 of 1,549,932 alleles (0.0017%); highest among the groups gnomAD compares: Admixed American, 0.0059%; no homozygotes.

Submissions (3):

Ambry Genetics
Classification: Uncertain significance for Cardiovascular phenotype. Last evaluated: 2024-05-19. Review status: criteria provided, single submitter. Criteria: Ambry Variant Classification Scheme 2023. Collection method: clinical testing. Allele origin: germline.
Comment: The p.A175T variant (also known as c.523G>A), located in coding exon 1 of the ZNF469 gene, results from a G to A substitution at nucleotide position 523. The alanine at codon 175 is replaced by threonine, an amino acid with similar properties. This amino acid position is poorly conserved in available vertebrate species. In addition, this alteration is predicted to be tolerated by in silico analysis. Since supporting evidence is limited at this time, the clinical significance of this alteration remains unclear.

Labcorp Genetics (formerly Invitae), Labcorp
Classification: Uncertain significance. Last evaluated: 2022-03-12. Review status: criteria provided, single submitter. Criteria: Invitae Variant Classification Sherloc (09022015). Collection method: clinical testing. Allele origin: germline.
Comment: This sequence change replaces alanine, which is neutral and non-polar, with threonine, which is neutral and polar, at codon 175 of the ZNF469 protein (p.Ala175Thr). This variant is present in population databases (no rsID available, gnomAD 0.004%). This variant has not been reported in the literature in individuals affected with ZNF469-related conditions. ClinVar contains an entry for this variant (Variation ID: 426446). Algorithms developed to predict the effect of missense changes on protein structure and function output the following: SIFT: "Tolerated"; PolyPhen-2: "Benign"; Align-GVGD: "Class C0". The threonine amino acid residue is found in multiple mammalian species, which suggests that this missense change does not adversely affect protein function. In summary, the available evidence is currently insufficient to determine the role of this variant in disease. Therefore, it has been classified as a Variant of Uncertain Significance.

GeneDx
Classification: Uncertain significance. Last evaluated: 2017-04-17. Review status: criteria provided, single submitter. Criteria: GeneDx Variant Classification (06012015). Collection method: clinical testing. Allele origin: germline. Affected: yes.
Comment: The A175T variant in the ZNF469 gene has not been reported previously as a pathogenic variant, nor as a benign variant, to our knowledge. The A175T variant is not observed in large population cohorts (Lek et al., 2016; 1000 Genomes Consortium et al., 2015; Exome Variant Server). The A175T variant is a non-conservative amino acid substitution, which is likely to impact secondary protein structure as these residues differ in polarity, charge, size and/or other properties. However, this substitution occurs at a position that is not conserved, and in silico analysis predicts this variant likely does not alter the protein structure/function. Therefore, we interpret A175T as a variant of uncertain significance.

NM_001367624.2(ZNF469):c.523G>A (p.Ala175Thr)

Gene: ZNF469 (zinc finger protein 469; plus strand). Cytogenetic location: 16q24.2.
Variant type: single nucleotide variant.
Coding change: c.523G>A on transcript NM_001367624.2 (MANE Select); coding-DNA position 523, G replaced by A.
Protein change: p.Ala175Thr; replaces alanine 175 with threonine.
Molecular consequence: missense variant.
Genome position (GRCh38, 1-based): chr16:88,427,993, G>A. VCF-style: chr16-88427993-G-A. GRCh37 (hg19) VCF-style: chr16-88494401-G-A.
Other names: NM_001127464.1:c.523G>A; short protein forms A175T.
Identifiers: ClinVar variation 426446 (VCV000426446.5), dbSNP rs1085307628, ClinGen allele CA397060439.